The following is an entry in ClinVar:

ClinVar aggregate classification (germline): Uncertain significance. Review status: criteria provided, multiple submitters, no conflicts (2 of 4 stars). 2 submissions from 2 submitters: Uncertain significance (2). Last evaluated 2023-10-20.

Conditions:
POLD1-related polyposis and colorectal cancer syndrome (CRCS10). Also called: Colorectal cancer 10; Colorectal cancer, susceptibility to, 10; COLORECTAL CANCER, SUSCEPTIBILITY TO, ON CHROMOSOME 19q. Identifiers: Orphanet 220460, MedGen C2675481, MONDO:0012953, OMIM 612591.
Hereditary cancer-predisposing syndrome. Also called: Tumor predisposition; Hereditary Cancer Syndrome; Hereditary neoplastic syndrome; Neoplastic Syndromes, Hereditary. Identifiers: Orphanet 140162, MedGen C0027672, MeSH D009386, MONDO:0015356.

Submissions (2):

Ambry Genetics
Classification: Uncertain significance for Hereditary cancer-predisposing syndrome. Last evaluated: 2023-10-20. Review status: criteria provided, single submitter. Criteria: Ambry Variant Classification Scheme 2023. Collection method: clinical testing. Allele origin: germline.
Comment: The p.E645D variant (also known as c.1935G>T), located in coding exon 15 of the POLD1 gene, results from a G to T substitution at nucleotide position 1935. The glutamic acid at codon 645 is replaced by aspartic acid, an amino acid with highly similar properties. This amino acid position is conserved. In addition, this alteration is predicted to be tolerated by in silico analysis. Since supporting evidence is limited at this time, the clinical significance of this alteration remains unclear.

Labcorp Genetics (formerly Invitae), Labcorp
Classification: Uncertain significance for POLD1-related polyposis and colorectal cancer syndrome. Last evaluated: 2023-02-27. Review status: criteria provided, single submitter. Criteria: Invitae Variant Classification Sherloc (09022015). Collection method: clinical testing. Allele origin: germline.
Comment: In summary, the available evidence is currently insufficient to determine the role of this variant in disease. Therefore, it has been classified as a Variant of Uncertain Significance. Advanced modeling of protein sequence and biophysical properties (such as structural, functional, and spatial information, amino acid conservation, physicochemical variation, residue mobility, and thermodynamic stability) performed at Invitae indicates that this missense variant is not expected to disrupt POLD1 protein function. This variant has not been reported in the literature in individuals affected with POLD1-related conditions. This variant is not present in population databases (gnomAD no frequency). This sequence change replaces glutamic acid, which is acidic and polar, with aspartic acid, which is acidic and polar, at codon 645 of the POLD1 protein (p.Glu645Asp).

NM_002691.4(POLD1):c.1935G>T (p.Glu645Asp)

Gene: POLD1 (DNA polymerase delta 1, catalytic subunit; plus strand). Cytogenetic location: 19q13.33.
Variant type: single nucleotide variant.
Coding change: c.1935G>T on transcript NM_002691.4 (MANE Select); coding-DNA position 1935, G replaced by T.
Protein change: p.Glu645Asp; replaces glutamic acid 645 with aspartic acid.
Molecular consequence: missense variant. On other transcripts: non-coding transcript variant (1).
Genome position (GRCh38, 1-based): chr19:50,409,164, G>T. VCF-style: chr19-50409164-G-T. GRCh37 (hg19) VCF-style: chr19-50912421-G-T.
Other names: c.1935G>T, p.Glu645Asp (NM_001256849.1); c.2013G>T, p.Glu671Asp (NM_001308632.1); c.1935G>T (NM_002691.2); short protein forms E671D, E645D.
Identifiers: ClinVar variation 2790401 (VCV002790401.4), dbSNP rs1601226609, ClinGen allele CA406982273.